The following is an entry in ClinVar:

ClinVar aggregate classification (germline): Uncertain significance (1 of 4 stars; one submission).

Allele frequency attached by ClinVar (database versions not stated): ExAC 0.00002; gnomAD 0.00002; 1000 Genomes Project 30x 0.00016; 1000 Genomes Project 0.00020; gnomAD exomes 0.00001; TOPMed 0.00001.
gnomAD v4.1: 16 of 1,614,064 alleles (0.00099%); highest among the groups gnomAD compares: Middle Eastern, 0.016%; no homozygotes.

Submission:

Labcorp Genetics (formerly Invitae), Labcorp
Classification: Uncertain significance. Last evaluated: 2021-09-24. Review status: criteria provided, single submitter. Criteria: Invitae Variant Classification Sherloc (09022015). Collection method: clinical testing. Allele origin: germline.
Comment: This sequence change replaces valine with methionine at codon 408 of the LCT protein (p.Val408Met). The valine residue is weakly conserved and there is a small physicochemical difference between valine and methionine. This variant is present in population databases (rs185361924, ExAC 0.003%). This variant has not been reported in the literature in individuals with LCT-related conditions. Algorithms developed to predict the effect of missense changes on protein structure and function are either unavailable or do not agree on the potential impact of this missense change (SIFT: "Not Available"; PolyPhen-2: "Benign"; Align-GVGD: "Not Available"). In summary, the available evidence is currently insufficient to determine the role of this variant in disease. Therefore, it has been classified as a Variant of Uncertain Significance.

NM_002299.4(LCT):c.1222G>A (p.Val408Met)

Genes: LCT (lactase; minus strand), LOC126806353 (BRD4-independent group 4 enhancer GRCh37_chr2:136574960-136576159; plus strand). Cytogenetic location: 2q21.3.
Variant type: single nucleotide variant.
Coding change: c.1222G>A on transcript NM_002299.4 (MANE Select); coding-DNA position 1222, G replaced by A.
Protein change: p.Val408Met; replaces valine 408 with methionine.
Molecular consequence: missense variant.
Genome position (GRCh38, 1-based): chr2:135,817,826, C>T on the plus strand (G>A on the coding strand, the complement: LCT is on the minus strand). VCF-style: chr2-135817826-C-T. GRCh37 (hg19) VCF-style: chr2-136575396-C-T.
Other names: short protein forms V408M.
Identifiers: ClinVar variation 1387625 (VCV001387625.5), dbSNP rs185361924, ClinGen allele CA1888428.